The following is an entry in ClinVar:

ClinVar aggregate classification (germline): Likely pathogenic (1 of 4 stars; one submission).

Submission:

Labcorp Genetics (formerly Invitae), Labcorp
Classification: Likely pathogenic. Last evaluated: 2025-06-26. Review status: criteria provided, single submitter. Criteria: Invitae Variant Classification Sherloc (09022015). Collection method: clinical testing. Allele origin: germline.
Comment: This sequence change replaces glycine, which is neutral and non-polar, with arginine, which is basic and polar, at codon 1073 of the COL4A1 protein (p.Gly1073Arg). This variant is not present in population databases (gnomAD no frequency). This variant has not been reported in the literature in individuals affected with COL4A1-related conditions. Invitae Evidence Modeling of protein sequence and biophysical properties (such as structural, functional, and spatial information, amino acid conservation, physicochemical variation, residue mobility, and thermodynamic stability) has been performed for this missense variant. However, the output from this modeling did not meet the statistical confidence thresholds required to predict the impact of this variant on COL4A1 protein function. This variant disrupts the triple helix domain of COL4A1. Glycine residues within the Gly-Xaa-Yaa repeats of the triple helix domain are required for the structure and stability of fibrillar collagens (PMID: 7695699, 8218237, 19344236). In COL4A1 variants affecting these glycine residues are significantly enriched in individuals with disease (PMID: 9016532, 17078022) compared to the general population (ExAC). In summary, the currently available evidence indicates that the variant is pathogenic, but additional data are needed to prove that conclusively. Therefore, this variant has been classified as Likely Pathogenic.

Literature cited by the submitters: PubMed 7695699; PubMed 8218237; PubMed 19344236; PubMed 9016532; PubMed 17078022.

NM_001845.6(COL4A1):c.3217G>C (p.Gly1073Arg)

Gene: COL4A1 (collagen type IV alpha 1 chain; minus strand). Cytogenetic location: 13q34.
Variant type: single nucleotide variant.
Coding change: c.3217G>C on transcript NM_001845.6 (MANE Select); coding-DNA position 3217, G replaced by C.
Protein change: p.Gly1073Arg; replaces glycine 1073 with arginine.
Molecular consequence: missense variant.
Genome position (GRCh38, 1-based): chr13:110,174,731, C>G on the plus strand (G>C on the coding strand, the complement: COL4A1 is on the minus strand). VCF-style: chr13-110174731-C-G. GRCh37 (hg19) VCF-style: chr13-110827078-C-G.
Other names: short protein forms G1073R.
Identifiers: ClinVar variation 4746030 (VCV004746030.1).